The following is an entry in ClinVar:

ClinVar aggregate classification (germline): Uncertain significance (1 of 4 stars; one submission).

gnomAD v4.1: 5 of 1,595,394 alleles (0.00031%); highest among the groups gnomAD compares: East Asian, 0.0023%; no homozygotes.

Submission:

Labcorp Genetics (formerly Invitae), Labcorp
Classification: Uncertain significance. Last evaluated: 2025-05-22. Review status: criteria provided, single submitter. Criteria: Invitae Variant Classification Sherloc (09022015). Collection method: clinical testing. Allele origin: germline.
Comment: This sequence change replaces alanine, which is neutral and non-polar, with valine, which is neutral and non-polar, at codon 752 of the CLCN7 protein (p.Ala752Val). The frequency data for this variant in the population databases is considered unreliable, as metrics indicate poor data quality at this position in the gnomAD database. This variant has not been reported in the literature in individuals affected with CLCN7-related conditions. An algorithm developed to predict the effect of missense changes on protein structure and function (PolyPhen-2) suggests that this variant is likely to be disruptive. In summary, the available evidence is currently insufficient to determine the role of this variant in disease. Therefore, it has been classified as a Variant of Uncertain Significance.

NM_001287.6(CLCN7):c.2255C>T (p.Ala752Val)

Gene: CLCN7 (chloride voltage-gated channel 7; minus strand). Cytogenetic location: 16p13.3.
Variant type: single nucleotide variant.
Coding change: c.2255C>T on transcript NM_001287.6 (MANE Select); coding-DNA position 2255, C replaced by T.
Protein change: p.Ala752Val; replaces alanine 752 with valine.
Molecular consequence: missense variant.
Genome position (GRCh38, 1-based): chr16:1,447,082, G>A on the plus strand (C>T on the coding strand, the complement: CLCN7 is on the minus strand). VCF-style: chr16-1447082-G-A. GRCh37 (hg19) VCF-style: chr16-1497083-G-A.
Other names: c.2183C>T, p.Ala728Val (NM_001114331.3); short protein forms A728V, A752V.
Identifiers: ClinVar variation 4747982 (VCV004747982.1).